The following is an entry in ClinVar:

ClinVar aggregate classification (germline): Likely benign. Review status: criteria provided, multiple submitters, no conflicts (2 of 4 stars). 5 submissions from 5 submitters: Likely benign (4). 1 of the submissions does not count toward it. Last evaluated 2026-01-18.

Conditions:
Connective tissue disorder. Also called: Connective tissue disease. Identifiers: MedGen C0009782, MONDO:0003900.
COL11A2-related disorder. Also called: COL11A2-related disorders; COL11A2-related condition.

Allele frequency attached by ClinVar (database versions not stated): gnomAD 0.00012 and 0.00013; TOPMed 0.00015; gnomAD exomes 0.00016; ExAC 0.00017; ESP Exome Variant Server 0.00036.
gnomAD v4.1: 506 of 1,351,152 alleles (0.037%); highest among the groups gnomAD compares: Non-Finnish European, 0.048%; no homozygotes.

Submissions (5):

Labcorp Genetics (formerly Invitae), Labcorp
Classification: Likely benign. Last evaluated: 2026-01-18. Review status: criteria provided, single submitter. Criteria: Invitae Variant Classification Sherloc (09022015). Collection method: clinical testing. Allele origin: germline.

Blueprint Genetics
Classification: Likely benign. Last evaluated: 2024-10-09. Review status: criteria provided, single submitter. Criteria: ACMG Guidelines, 2015. Collection method: clinical testing. Allele origin: germline.

GeneDx
Classification: Likely benign. Last evaluated: 2020-08-24. Review status: criteria provided, single submitter. Criteria: GeneDx Variant Classification Process June 2021. Collection method: clinical testing. Allele origin: germline. Affected: yes.

Center for Human Genetics, Inc
Classification: Likely benign for Connective tissue disorder. Last evaluated: 2018-06-01. Review status: criteria provided, single submitter. Criteria: ACMG Guidelines, 2015. Collection method: clinical testing. Allele origin: germline. Affected: yes.

PreventionGenetics, part of Exact Sciences
Classification: Likely benign for COL11A2-related condition. Last evaluated: 2019-03-26. Review status: no assertion criteria provided. Collection method: clinical testing. Allele origin: germline. Not counted in ClinVar's aggregate classification.
Comment: This variant is classified as likely benign based on ACMG/AMP sequence variant interpretation guidelines (Richards et al. 2015 PMID: 25741868, with internal and published modifications).

NM_080680.3(COL11A2):c.813C>T (p.Leu271=)

Gene: COL11A2 (collagen type XI alpha 2 chain; minus strand). Cytogenetic location: 6p21.32.
Variant type: single nucleotide variant.
Coding change: c.813C>T on transcript NM_080680.3 (MANE Select); coding-DNA position 813, C replaced by T.
Protein change: p.Leu271=; no amino-acid change (leucine 271 retained).
Molecular consequence: synonymous variant. On other transcripts: intron variant (2).
Genome position (GRCh38, 1-based): chr6:33,185,764, G>A on the plus strand (C>T on the coding strand, the complement: COL11A2 is on the minus strand). VCF-style: chr6-33185764-G-A. GRCh37 (hg19) VCF-style: chr6-33153541-G-A.
Other names: c.798+863C>T (NM_080679.3); c.799-710C>T (NM_080681.3).
Identifiers: ClinVar variation 561281 (VCV000561281.14), dbSNP rs143505163, ClinGen allele CA3751553.
Genomic context (GRCh38, chr6:33,185,764, plus strand): 5'-ATAATCAGGGGTTGTCCCCGTAGTCATCACATCATAATAGGGGGGCTCGTAGTCATAGTA[G>A]AGAGACTCAGTGGGCTGGGATTGGGGGGTGGGCATAGACAGGAAGGGGATGGGGTAATTG-3'
Protein context (NP_542411.2, residues 261-281): QEPQSQPTES[Leu271=]YYDYEPPYYD